The following is an entry in ClinVar:

ClinVar aggregate classification (germline): Uncertain significance (1 of 4 stars; one submission).

Conditions:
Pyruvate carboxylase deficiency. Also called: LEIGH NECROTIZING ENCEPHALOPATHY DUE TO PYRUVATE CARBOXYLASE DEFICIENCY; LEIGH SYNDROME DUE TO PYRUVATE CARBOXYLASE DEFICIENCY; PC DEFICIENCY; ATAXIA WITH LACTIC ACIDOSIS II; Pyruvate Carboxylase Deficiency Disease. Identifiers: Orphanet 3008, MedGen C0034341, MONDO:0009949, OMIM 266150.

Submission:

Baylor Genetics
Classification: Uncertain significance for Pyruvate carboxylase deficiency. Last evaluated: 2020-01-17. Review status: criteria provided, single submitter. Criteria: ACMG Guidelines, 2015. Collection method: clinical testing. Allele origin: unknown. Affected: yes.
Comment: This variant was determined to be of uncertain significance according to ACMG Guidelines, 2015 [PMID:25741868].

NM_001040716.2(PC):c.1825+3A>C

Gene: PC (pyruvate carboxylase; minus strand). Cytogenetic location: 11q13.2.
Variant type: single nucleotide variant.
Coding change: c.1825+3A>C on transcript NM_001040716.2 (MANE Select); 3 bases into the intron after coding-DNA position 1825, A replaced by C.
Molecular consequence: intron variant.
Genome position (GRCh38, 1-based): chr11:66,852,436, T>G on the plus strand (A>C on the coding strand, the complement: PC is on the minus strand). VCF-style: chr11-66852436-T-G. GRCh37 (hg19) VCF-style: chr11-66619907-T-G.
Other names: c.1825+3A>C (NM_000920.4, NM_022172.3).
Identifiers: ClinVar variation 1030921 (VCV001030921.1), dbSNP rs1945555370, ClinGen allele CA1979882054.